The following is an entry in ClinVar:

NM_003331.5(TYK2):c.2273G>C (p.Ser758Thr)

Gene: TYK2 (tyrosine kinase 2; minus strand). Cytogenetic location: 19p13.2.
Variant type: single nucleotide variant.
Coding change: c.2273G>C on transcript NM_003331.5 (MANE Select); coding-DNA position 2273, G replaced by C.
Protein change: p.Ser758Thr; replaces serine 758 with threonine.
Molecular consequence: missense variant.
Genome position (GRCh38, 1-based): chr19:10,358,041, C>G on the plus strand (G>C on the coding strand, the complement: TYK2 is on the minus strand). VCF-style: chr19-10358041-C-G. GRCh37 (hg19) VCF-style: chr19-10468717-C-G.
Other names: c.2273G>C, p.Ser758Thr (NM_001385197.1, NM_001385198.1, NM_001385200.1 and 2 more transcripts); c.2087G>C, p.Ser696Thr (NM_001385199.1); c.2075G>C, p.Ser692Thr (NM_001385201.1); c.2189G>C, p.Ser730Thr (NM_001385202.1); c.2183G>C, p.Ser728Thr (NM_001385205.1); c.2147G>C, p.Ser716Thr (NM_001385206.1); c.2255G>C, p.Ser752Thr (NM_001385207.1); short protein forms S716T, S728T, S730T, S758T, S692T, S696T, S752T.
Identifiers: ClinVar variation 1461744 (VCV001461744.6), dbSNP rs774929306, ClinGen allele CA9193132.

ClinVar aggregate classification (germline): Uncertain significance (1 of 4 stars; one submission).

Conditions:
Immunodeficiency 35 (IMD35). Also called: Susceptibility to infection due to TYK2 deficiency; TYK2 DEFICIENCY; HIES WITH ATYPICAL MYCOBACTERIOSIS, AUTOSOMAL RECESSIVE; HYPER-IgE SYNDROME WITH ATYPICAL MYCOBACTERIOSIS, AUTOSOMAL RECESSIVE. Identifiers: Orphanet 331226, MedGen C1969086, MONDO:0012682, OMIM 611521.

Allele frequency attached by ClinVar (database versions not stated): gnomAD exomes below 0.00001; ExAC 0.00001.
gnomAD v4.1: 5 of 1,613,548 alleles (0.00031%); highest among the groups gnomAD compares: Non-Finnish European, 0.00042%; no homozygotes.

Submission:

Labcorp Genetics (formerly Invitae), Labcorp
Classification: Uncertain significance for Immunodeficiency 35. Last evaluated: 2021-04-26. Review status: criteria provided, single submitter. Criteria: Invitae Variant Classification Sherloc (09022015). Collection method: clinical testing. Allele origin: germline.
Comment: In summary, the available evidence is currently insufficient to determine the role of this variant in disease. Therefore, it has been classified as a Variant of Uncertain Significance. Algorithms developed to predict the effect of missense changes on protein structure and function are either unavailable or do not agree on the potential impact of this missense change (SIFT: "Not Available"; PolyPhen-2: "Probably Damaging"; Align-GVGD: "Not Available"). This variant has not been reported in the literature in individuals with TYK2-related conditions. This variant is present in population databases (rs774929306, ExAC 0.002%). This sequence change replaces serine with threonine at codon 758 of the TYK2 protein (p.Ser758Thr). The serine residue is highly conserved and there is a small physicochemical difference between serine and threonine.